The following is an entry in ClinVar:

ClinVar aggregate classification (germline): Uncertain significance. Review status: criteria provided, single submitter (1 of 4 stars). 2 submissions from 2 submitters: Uncertain significance (1). 1 of the submissions does not count toward it. Last evaluated 2024-12-04.

Conditions:
FOCAD-related disorder. Also called: FOCAD-related condition.

Allele frequency attached by ClinVar (database versions not stated): gnomAD exomes 0.00002; gnomAD 0.00004.
gnomAD v4.1: 30 of 1,613,994 alleles (0.0019%); highest among the groups gnomAD compares: Non-Finnish European, 0.0025%; no homozygotes.

Submissions (2):

Labcorp Genetics (formerly Invitae), Labcorp
Classification: Uncertain significance. Last evaluated: 2024-12-04. Review status: criteria provided, single submitter. Criteria: Invitae Variant Classification Sherloc (09022015). Collection method: clinical testing. Allele origin: germline.
Comment: This sequence change affects codon 351 of the FOCAD mRNA. It is a 'silent' change, meaning that it does not change the encoded amino acid sequence of the FOCAD protein. This variant is present in population databases (no rsID available, gnomAD 0.004%). This variant has not been reported in the literature in individuals affected with FOCAD-related conditions. ClinVar contains an entry for this variant (Variation ID: 3034276). In summary, the available evidence is currently insufficient to determine the role of this variant in disease. Therefore, it has been classified as a Variant of Uncertain Significance.

PreventionGenetics, part of Exact Sciences
Classification: Likely benign for FOCAD-related condition. Last evaluated: 2024-08-14. Review status: no assertion criteria provided. Collection method: clinical testing. Allele origin: germline. Not counted in ClinVar's aggregate classification.
Comment: This variant is classified as likely benign based on ACMG/AMP sequence variant interpretation guidelines (Richards et al. 2015 PMID: 25741868, with internal and published modifications).

NM_001375567.1(FOCAD):c.1051C>T (p.Leu351=)

Gene: FOCAD (focadhesin; plus strand). Cytogenetic location: 9p21.3.
Variant type: single nucleotide variant.
Coding change: c.1051C>T on transcript NM_001375567.1 (MANE Select); coding-DNA position 1051, C replaced by T.
Protein change: p.Leu351=; no amino-acid change (leucine 351 retained).
Molecular consequence: synonymous variant.
Genome position (GRCh38, 1-based): chr9:20,781,783, C>T. VCF-style: chr9-20781783-C-T. GRCh37 (hg19) VCF-style: chr9-20781782-C-T.
Other names: c.1051C>T, p.Leu351= (NM_001375568.1, NM_017794.5); c.946C>T, p.Leu316= (NM_001375570.1).
Identifiers: ClinVar variation 3034276 (VCV003034276.4), dbSNP rs752730916, ClinGen allele CA190559644.